The following is an entry in ClinVar:

NM_000017.4(ACADS):c.945_953del (p.Asp316_Ala318del)

Gene: ACADS (acyl-CoA dehydrogenase short chain; plus strand). Cytogenetic location: 12q24.31.
Variant type: Deletion.
Coding change: c.945_953del on transcript NM_000017.4 (MANE Select); coding-DNA positions 945 to 953, 9 bases deleted (AGACATGGC; older notation c.945_953delAGACATGGC).
Protein change: p.Asp316_Ala318del.
Molecular consequence: inframe deletion.
Genome position (GRCh38, 1-based): chr12:120,738,831-120,738,839, AGACATGGC deleted; deleting any 9 consecutive bases within chr12:120,738,827-120,738,839 gives the same sequence; the c. name uses the placement nearest the transcript's 3' end. VCF-style (leftmost placement, unchanged base first): chr12-120738826-TTGGCAGACA-T. GRCh37 (hg19) VCF-style: chr12-121176629-TTGGCAGACA-T.
Other names: c.933_941del, p.Asp312_Ala314del (NM_001302554.2).
Identifiers: ClinVar variation 557876 (VCV000557876.4), dbSNP rs1555244266, ClinGen allele CA658822772.

ClinVar aggregate classification (germline): Uncertain significance. Review status: criteria provided, single submitter (1 of 4 stars). 2 submissions from 2 submitters: Uncertain significance (1). 1 of the submissions does not count toward it. Last evaluated 2025-01-24.

Conditions:
Deficiency of butyryl-CoA dehydrogenase (ACADSD). Also called: SCAD DEFICIENCY, MILD; ACYL-CoA DEHYDROGENASE, SHORT-CHAIN, DEFICIENCY OF; SCAD Deficiency; SCADH DEFICIENCY; ACADS DEFICIENCY; Short-Chain Acyl-CoA Dehydrogenase Deficiency. Identifiers: Orphanet 26792, MedGen C0342783, MONDO:0008722, OMIM 201470. Disease mechanism: May be benign.

Submissions (2):

Labcorp Genetics (formerly Invitae), Labcorp
Classification: Uncertain significance for Deficiency of butyryl-CoA dehydrogenase. Last evaluated: 2025-01-24. Review status: criteria provided, single submitter. Criteria: Invitae Variant Classification Sherloc (09022015). Collection method: clinical testing. Allele origin: germline.
Comment: This variant, c.945_953del, results in the deletion of 3 amino acid(s) of the ACADS protein (p.Asp316_Ala318del), but otherwise preserves the integrity of the reading frame. This variant is not present in population databases (gnomAD no frequency). This variant has not been reported in the literature in individuals affected with ACADS-related conditions. ClinVar contains an entry for this variant (Variation ID: 557876). Experimental studies and prediction algorithms are not available or were not evaluated, and the functional significance of this variant is currently unknown. In summary, the available evidence is currently insufficient to determine the role of this variant in disease. Therefore, it has been classified as a Variant of Uncertain Significance.

Counsyl
Classification: Uncertain significance for Deficiency of butyryl-CoA dehydrogenase. Last evaluated: 2018-04-13. Review status: no assertion criteria provided. Collection method: clinical testing. Allele origin: unknown. Not counted in ClinVar's aggregate classification.